The following is an entry in ClinVar:

ClinVar aggregate classification (germline): Uncertain significance. Review status: criteria provided, multiple submitters, no conflicts (2 of 4 stars). 2 submissions from 2 submitters: Uncertain significance (2). Last evaluated 2025-01-17.

Conditions:
Neurofibromatosis, type 1 (NF1). Also called: Neurofibromatosis, type I; Peripheral type neurofibromatosis; VON RECKLINGHAUSEN DISEASE; NEUROFIBROMATOSIS, TYPE I, SOMATIC. Identifiers: Orphanet 636, MedGen C0027831, MONDO:0018975, OMIM 162200. Disease mechanism: loss of function.
Hereditary cancer-predisposing syndrome. Also called: Neoplastic Syndromes, Hereditary; Hereditary Cancer Syndrome; Hereditary neoplastic syndrome; Tumor predisposition. Identifiers: Orphanet 140162, MedGen C0027672, MeSH D009386, MONDO:0015356.
Cardiovascular phenotype. Identifiers: MedGen CN230736.

Submissions (2):

Ambry Genetics
Classification: Uncertain significance for Cardiovascular phenotype; Hereditary cancer-predisposing syndrome. Last evaluated: 2025-01-17. Review status: criteria provided, single submitter. Criteria: Ambry Variant Classification Scheme 2023. Collection method: clinical testing. Allele origin: germline.
Comment: The p.A1534T variant (also known as c.4600G>A), located in coding exon 34 of the NF1 gene, results from a G to A substitution at nucleotide position 4600. The alanine at codon 1534 is replaced by threonine, an amino acid with similar properties. This amino acid position is highly conserved in available vertebrate species. In addition, this alteration is predicted to be tolerated by in silico analysis. Based on the available evidence, the clinical significance of this variant remains unclear.

Labcorp Genetics (formerly Invitae), Labcorp
Classification: Uncertain significance for Neurofibromatosis, type 1. Last evaluated: 2024-02-15. Review status: criteria provided, single submitter. Criteria: Invitae Variant Classification Sherloc (09022015). Collection method: clinical testing. Allele origin: germline.
Comment: This sequence change replaces alanine, which is neutral and non-polar, with threonine, which is neutral and polar, at codon 1534 of the NF1 protein (p.Ala1534Thr). This variant is not present in population databases (gnomAD no frequency). This variant has not been reported in the literature in individuals affected with NF1-related conditions. ClinVar contains an entry for this variant (Variation ID: 825035). Advanced modeling of protein sequence and biophysical properties (such as structural, functional, and spatial information, amino acid conservation, physicochemical variation, residue mobility, and thermodynamic stability) performed at Invitae indicates that this missense variant is not expected to disrupt NF1 protein function with a negative predictive value of 95%. In summary, the available evidence is currently insufficient to determine the role of this variant in disease. Therefore, it has been classified as a Variant of Uncertain Significance.

NM_001042492.3(NF1):c.4663G>A (p.Ala1555Thr)

Gene: NF1 (neurofibromin 1; plus strand). Cytogenetic location: 17q11.2.
Variant type: single nucleotide variant.
Coding change: c.4663G>A on transcript NM_001042492.3 (MANE Select); coding-DNA position 4663, G replaced by A.
Protein change: p.Ala1555Thr; replaces alanine 1555 with threonine.
Molecular consequence: missense variant.
Genome position (GRCh38, 1-based): chr17:31,261,796, G>A. VCF-style: chr17-31261796-G-A. GRCh37 (hg19) VCF-style: chr17-29588814-G-A.
Other names: c.4600G>A, p.Ala1534Thr (NM_000267.4); short protein forms A1555T, A1534T.
Identifiers: ClinVar variation 825035 (VCV000825035.7), dbSNP rs1597748868, ClinGen allele CA399000413.